The following is an entry in ClinVar:

NM_000264.5(PTCH1):c.77G>C (p.Arg26Pro)

Genes: PTCH1 (patched 1; minus strand), LOC130002133 (ATAC-STARR-seq lymphoblastoid silent region 20071; plus strand). Cytogenetic location: 9q22.32.
Variant type: single nucleotide variant.
Coding change: c.77G>C on transcript NM_000264.5 (MANE Select); coding-DNA position 77, G replaced by C.
Protein change: p.Arg26Pro; replaces arginine 26 with proline.
Molecular consequence: missense variant. On other transcripts: non-coding transcript variant (1), intron variant (3).
Genome position (GRCh38, 1-based): chr9:95,508,285, C>G on the plus strand (G>C on the coding strand, the complement: PTCH1 is on the minus strand). VCF-style: chr9-95508285-C-G. GRCh37 (hg19) VCF-style: chr9-98270567-C-G.
Other names: c.77G>C, p.Arg26Pro (NM_001354918.2); c.199-1686G>C (NM_001083603.3); c.4-1686G>C (NM_001083602.3, NM_001354919.2); short protein forms R26P.
Identifiers: ClinVar variation 4862717 (VCV004862717.1).

ClinVar aggregate classification (germline): Uncertain significance (1 of 4 stars; one submission).

Conditions:
Hereditary cancer-predisposing syndrome. Also called: Neoplastic Syndromes, Hereditary; Tumor predisposition; Hereditary Cancer Syndrome; Hereditary neoplastic syndrome. Identifiers: Orphanet 140162, MedGen C0027672, MeSH D009386, MONDO:0015356.

Submission:

Ambry Genetics
Classification: Uncertain significance for Hereditary cancer-predisposing syndrome. Last evaluated: 2026-06-14. Review status: criteria provided, single submitter. Criteria: Ambry Variant Classification Scheme 2023. Collection method: clinical testing. Allele origin: germline.
Comment: The p.R26P variant (also known as c.77G>C), located in coding exon 1 of the PTCH1 gene, results from a G to C substitution at nucleotide position 77. The arginine at codon 26 is replaced by proline, an amino acid with dissimilar properties. This amino acid position is conserved. In addition, this alteration is predicted to be tolerated by in silico analysis. Based on the available evidence, the clinical significance of this variant remains unclear.